The following is an entry in ClinVar:

ClinVar aggregate classification (germline): Uncertain significance. Review status: criteria provided, multiple submitters, no conflicts (2 of 4 stars). 3 submissions from 3 submitters: Uncertain significance (3). Last evaluated 2024-10-03.

Conditions:
Hereditary nonpolyposis colorectal neoplasms. Identifiers: MedGen C0009405, MeSH D003123.
Hereditary cancer-predisposing syndrome. Also called: Neoplastic Syndromes, Hereditary; Tumor predisposition; Hereditary neoplastic syndrome; Hereditary Cancer Syndrome. Identifiers: Orphanet 140162, MedGen C0027672, MeSH D009386, MONDO:0015356.
Lynch syndrome 4 (LYNCH4). Also called: Hereditary non-polyposis colorectal cancer, type 4; Colorectal cancer, hereditary nonpolyposis, type 4. Identifiers: Orphanet 144, MedGen C1838333, MONDO:0013699, OMIM 614337. Disease mechanism: loss of function.

Submissions (3):

Ambry Genetics
Classification: Uncertain significance for Hereditary cancer-predisposing syndrome. Last evaluated: 2024-10-03. Review status: criteria provided, single submitter. Criteria: Ambry Variant Classification Scheme 2023. Collection method: clinical testing. Allele origin: germline.
Comment: The c.280G>A variant (also known as p.E94K), located in coding exon 4 of the PMS2 gene, results from a G to A substitution at nucleotide position 280. The glutamic acid at codon 94 is replaced by lysine, an amino acid with similar properties. This nucleotide position is highly conserved in available vertebrate species. In silico splice site analysis for this alteration is inconclusive. RNA studies have demonstrated that this alteration results in an incomplete splice defect; the clinical impact of this abnormal splicing is unknown at this time (Ambry internal data). Based on the available evidence, the clinical significance of this variant remains unclear.

Labcorp Genetics (formerly Invitae), Labcorp
Classification: Uncertain significance for Hereditary nonpolyposis colorectal neoplasms. Last evaluated: 2022-02-10. Review status: criteria provided, single submitter. Criteria: Invitae Variant Classification Sherloc (09022015). Collection method: clinical testing. Allele origin: germline.
Comment: This sequence change replaces glutamic acid, which is acidic and polar, with lysine, which is basic and polar, at codon 94 of the PMS2 protein (p.Glu94Lys). This variant is not present in population databases (gnomAD no frequency). This variant has not been reported in the literature in individuals affected with PMS2-related conditions. ClinVar contains an entry for this variant (Variation ID: 644025). Advanced modeling of protein sequence and biophysical properties (such as structural, functional, and spatial information, amino acid conservation, physicochemical variation, residue mobility, and thermodynamic stability) performed at Invitae indicates that this missense variant is not expected to disrupt PMS2 protein function. In summary, the available evidence is currently insufficient to determine the role of this variant in disease. Therefore, it has been classified as a Variant of Uncertain Significance.

Department of Pathology and Laboratory Medicine, Sinai Health System
Classification: Uncertain significance for Lynch syndrome 4. Last evaluated: 2020-01-14. Review status: criteria provided, single submitter. Criteria: ACMG Guidelines, 2015. Collection method: clinical testing. Allele origin: germline. Affected: yes.

NM_000535.7(PMS2):c.280G>A (p.Glu94Lys)

Gene: PMS2 (PMS1 homolog 2, mismatch repair system component; minus strand). Cytogenetic location: 7p22.1.
Variant type: single nucleotide variant.
Coding change: c.280G>A on transcript NM_000535.7 (MANE Select); coding-DNA position 280, G replaced by A.
Protein change: p.Glu94Lys; replaces glutamic acid 94 with lysine.
Molecular consequence: missense variant. On other transcripts: 5 prime UTR variant (9), non-coding transcript variant (1), intron variant (2).
Genome position (GRCh38, 1-based): chr7:6,003,763, C>T on the plus strand (G>A on the coding strand, the complement: PMS2 is on the minus strand). VCF-style: chr7-6003763-C-T. GRCh37 (hg19) VCF-style: chr7-6043394-C-T.
Other names: c.-126G>A (NM_001322003.2, NM_001322004.2, NM_001322005.2 and 3 more transcripts); c.280G>A, p.Glu94Lys (NM_001322006.2, NM_001322014.2); c.-605G>A (NM_001322011.2, NM_001322012.2); c.-205G>A (NM_001322015.2); c.35+209G>A (NM_001322008.2, NM_001322007.2); short protein forms E94K.
Identifiers: ClinVar variation 644025 (VCV000644025.11), dbSNP rs1583408872, ClinGen allele CA366744668.